The following is an entry in ClinVar:

ClinVar aggregate classification (germline): Uncertain significance (1 of 4 stars; one submission).

Allele frequency attached by ClinVar (database versions not stated): gnomAD exomes 0.00001.
gnomAD v4.1: 3 of 1,613,916 alleles (0.00019%); highest among the groups gnomAD compares: Non-Finnish European, 0.00025%; no homozygotes.

Submission:

CeGaT Center for Human Genetics Tuebingen
Classification: Uncertain significance. Last evaluated: 2024-07-01. Review status: criteria provided, single submitter. Criteria: CeGaT Center For Human Genetics Tuebingen Variant Classification Criteria Version 2. Collection method: clinical testing. Allele origin: germline. Affected: yes. Observed: 2 variant alleles.
Comment: SPTBN1: PM2, PP3

NM_003128.3(SPTBN1):c.1072G>A (p.Glu358Lys)

Gene: SPTBN1 (spectrin beta, non-erythrocytic 1; plus strand). Cytogenetic location: 2p16.2.
Variant type: single nucleotide variant.
Coding change: c.1072G>A on transcript NM_003128.3 (MANE Select); coding-DNA position 1072, G replaced by A.
Protein change: p.Glu358Lys; replaces glutamic acid 358 with lysine.
Molecular consequence: missense variant.
Genome position (GRCh38, 1-based): chr2:54,623,486, G>A. VCF-style: chr2-54623486-G-A. GRCh37 (hg19) VCF-style: chr2-54850623-G-A.
Other names: c.1033G>A, p.Glu345Lys (NM_178313.3); short protein forms E345K, E358K.
Identifiers: ClinVar variation 3239403 (VCV003239403.19), dbSNP rs2549515583.
Genomic context (GRCh38, chr2:54,623,486, plus strand): 5'-GTGTGAAATTTTTTTTTCTCCAGTACCAAATGAATGTTTTCCCCTGTGTTTAGATTTACT[G>A]AGAAGGGGAACTTGGAAGTGCTGCTCTTCACCATTCAGAGCAAGATGAGGGCCAACAACC-3'
Protein context (NP_003119.2, residues 348-368): RTVEKPPKFT[Glu358Lys]KGNLEVLLFT